The following is an entry in ClinVar:

ClinVar aggregate classification (germline): Uncertain significance. Review status: criteria provided, multiple submitters, no conflicts (2 of 4 stars). 2 submissions from 2 submitters: Uncertain significance (2). Last evaluated 2023-06-30.

Conditions:
Charcot-Marie-Tooth disease type 4B2. Also called: Charcot-Marie-Tooth Neuropathy Type 4B2; CMT 4B2; CHARCOT-MARIE-TOOTH DISEASE, DEMYELINATING, TYPE 4B2; CHARCOT-MARIE-TOOTH DISEASE, WITH FOCALLY FOLDED MYELIN SHEATHS, AUTOSOMAL RECESSIVE, TYPE 4B2. Identifiers: Orphanet 99956, MedGen C1858278, MONDO:0011475, OMIM 604563.
Charcot-Marie-Tooth disease type 4. Also called: Charcot-Marie-Tooth disease, type IV; Charcot-Marie-Tooth, Type 4. Identifiers: Orphanet 64749, MedGen C4082197, MONDO:0018995.

Allele frequency attached by ClinVar (database versions not stated): gnomAD exomes below 0.00001; TOPMed below 0.00001.
gnomAD v4.1: 1 of 1,613,888 alleles (0.000062%); highest among the groups gnomAD compares: Non-Finnish European, 0.000085%; no homozygotes.

Submissions (2):

Labcorp Genetics (formerly Invitae), Labcorp
Classification: Uncertain significance for Charcot-Marie-Tooth disease type 4. Last evaluated: 2023-06-30. Review status: criteria provided, single submitter. Criteria: Invitae Variant Classification Sherloc (09022015). Collection method: clinical testing. Allele origin: germline.
Comment: This variant has not been reported in the literature in individuals affected with SBF2-related conditions. This sequence change replaces lysine, which is basic and polar, with glutamic acid, which is acidic and polar, at codon 955 of the SBF2 protein (p.Lys955Glu). This variant is not present in population databases (gnomAD no frequency). ClinVar contains an entry for this variant (Variation ID: 881442). Advanced modeling of protein sequence and biophysical properties (such as structural, functional, and spatial information, amino acid conservation, physicochemical variation, residue mobility, and thermodynamic stability) performed at Invitae indicates that this missense variant is expected to disrupt SBF2 protein function. In summary, the available evidence is currently insufficient to determine the role of this variant in disease. Therefore, it has been classified as a Variant of Uncertain Significance.

Illumina Laboratory Services, Illumina
Classification: Uncertain significance for Charcot-Marie-Tooth disease type 4B2. Last evaluated: 2018-01-13. Review status: criteria provided, single submitter. Criteria: ICSL Variant Classification Criteria 13 December 2019. Collection method: clinical testing. Allele origin: germline.

NM_030962.4(SBF2):c.2863A>G (p.Lys955Glu)

Genes: SBF2 (SET binding factor 2; minus strand), LOC101928008 (uncharacterized LOC101928008; plus strand). Cytogenetic location: 11p15.4.
Variant type: single nucleotide variant.
Coding change: c.2863A>G on transcript NM_030962.4 (MANE Select); coding-DNA position 2863, A replaced by G.
Protein change: p.Lys955Glu; replaces lysine 955 with glutamic acid.
Molecular consequence: missense variant.
Genome position (GRCh38, 1-based): chr11:9,847,027, T>C on the plus strand (A>G on the coding strand, the complement: SBF2 is on the minus strand). VCF-style: chr11-9847027-T-C. GRCh37 (hg19) VCF-style: chr11-9868574-T-C.
Other names: c.2863A>G, p.Lys955Glu (NM_001386339.1); c.2734A>G, p.Lys912Glu (NM_001386342.1); short protein forms K955E, K912E.
Identifiers: ClinVar variation 881442 (VCV000881442.13), dbSNP rs1856598871, ClinGen allele CA379633812.